The following continues an entry in ClinVar:

NM_000152.5(GAA):c.953T>C (p.Met318Thr)

Gene: GAA. ClinVar aggregate classification (germline): Pathogenic. Pathogenic (1).

Submissions 9 to 15 of 15:

Women's Health and Genetics/Laboratory Corporation of America, LabCorp
Classification: Pathogenic for Glycogen storage disease, type II. Last evaluated: 2022-01-20. Review status: criteria provided, single submitter. Criteria: LabCorp Variant Classification Summary - May 2015. Collection method: clinical testing. Allele origin: germline. Not counted in ClinVar's aggregate classification.
Comment: Variant summary: GAA c.953T>C (p.Met318Thr) results in a non-conservative amino acid change located in the Glycoside hydrolase family 31, N-terminal domain (IPR025887) of the encoded protein sequence. Five of five in-silico tools predict a damaging effect of the variant on protein function. The variant allele was found at a frequency of 4.2e-05 in 236242 control chromosomes. This frequency is not significantly higher than expected for a pathogenic variant in GAA causing Glycogen Storage Disease, Type 2 (Pompe Disease) (4.2e-05 vs 0.0042), allowing no conclusion about variant significance. c.953T>C has been reported in the literature in several individuals affected with Glycogen Storage Disease, Type 2 (Pompe Disease) (ie. Zhong_1991, Flanagan_2009, Mori_2017, Loscher_2018, Kazi_2019). These data indicate that the variant is likely to be associated with disease. Publications also reported experimental evidence evaluating an impact on protein function, and demonstrated that the variant results in <10% of normal activity (Zhong_1991, Flanagan_2009). Seven clinical diagnostic laboratories have submitted clinical-significance assessments for this variant to ClinVar after 2014 without evidence for independent evaluation. Six labs classified as likely pathogenic/pathogenic while one classified as VUS. Based on the evidence outlined above, the variant was classified as pathogenic.

Genome-Nilou Lab
Classification: Likely pathogenic for Glycogen storage disease, type II. Last evaluated: 2021-07-22. Review status: criteria provided, single submitter. Criteria: ACMG Guidelines, 2015. Collection method: clinical testing. Allele origin: germline. Affected: no. Not counted in ClinVar's aggregate classification.

Broad Center for Mendelian Genomics, Broad Institute of MIT and Harvard
Classification: Likely pathogenic for Glycogen storage disease, type II. Last evaluated: 2020-01-22. Review status: criteria provided, single submitter. Criteria: ACMG Guidelines, 2015. Collection method: curation. Allele origin: germline. Inheritance: Autosomal recessive inheritance. Not counted in ClinVar's aggregate classification.
Comment: The heterozygous p.Met318Thr variant in GAA has been reported in 2 individuals with Glycogen Storage Disease II (PMID: 1652892, 25139343), and has also been reported pathogenic by OMIM, likely pathogenic by Integrated Genetics, and a VUS by EGL Genetic Diagnostics in ClinVar (Variation ID: 4021). This variant has been identified in 0.009% (2/23234) of African chromosomes and 0.006% (7/121686) of European (non-Finnish) chromosomes by the Genome Aggregation Database (gnomAD; dbSNP rs121907936). Although this variant has been seen in the general population, its frequency is low enough to be consistent with a recessive carrier frequency. In vitro functional studies with a minigene assay provide some evidence that the p.Met318Thr variant may eliminate GAA activity (PMID: 1652892). However, these types of assays may not accurately represent biological function. Computational prediction tools and conservation analyses suggest that this variant may impact the protein, though this information is not predictive enough to determine pathogenicity. However, the Methionine (Met) at position 318 is not conserved in evolutionary distant species, raising the possibility that a change at this position may be tolerated. Two additional variants at the same position, p.Met318Lys and p.Met318Leu, have been reported as VUS in ClinVar but p.Met318Lys is a likely pathogenic variant, slightly increasing the likelihood that the p.Met318Thr variant is pathogenic (Variation ID: 558700, 290616; PMID: 21484825, 22644586). This variant has been reported in combination with a reported likely pathogenic variant and a variant reported to cause NMD, and in individuals with Glycogen Storage Disease II (PMID: 1652892, 25139343). In summary, although additional studies are required to fully establish its clinical significance, this variant is likely pathogenic. ACMG/AMP Criteria applied: PS3, PM2, PM5_Supporting, PP3, PP4 (Richards 2015).

CENTOGENE GmbH and LLC - Guiding Precision Medicine
Classification: Pathogenic for Glycogen storage disease, type II. Last evaluated: 2019-01-16. Review status: criteria provided, single submitter. Criteria: ACMG Guidelines, 2015. Collection method: clinical testing. Allele origin: germline. Not counted in ClinVar's aggregate classification.

Eurofins Ntd Llc (ga)
Classification: Uncertain significance. Last evaluated: 2017-09-27. Review status: criteria provided, single submitter. Criteria: EGL Classification Definitions 2015. Collection method: clinical testing. Allele origin: germline. Observed: 1 variant allele, 1 heterozygote. Not counted in ClinVar's aggregate classification.

Molecular Therapies Laboratory, Murdoch University
Classification: Pathogenic for Glycogen storage disease, type II. Last evaluated: 2019-01-07. Review status: no assertion criteria provided. Collection method: clinical testing. Allele origin: germline. Affected: yes. Observed: 1 variant allele. Not counted in ClinVar's aggregate classification.

OMIM
Classification: Pathogenic for POMPE DISEASE, INFANTILE-ONSET. Last evaluated: 1991-09-01. Review status: no assertion criteria provided. Collection method: literature only. Allele origin: germline. Not counted in ClinVar's aggregate classification.

Literature cited by the submitters: PubMed 19862843 (cited by 3 submitters); PubMed 30214072 (cited by Genomenon, Inc and Women's Health and Genetics/Laboratory Corporation of America, LabCorp); PubMed 29181627 (cited by 3 submitters); PubMed 34357340 (cited by Genomenon, Inc); PubMed 31904026 (cited by Genomenon, Inc); PubMed 25139343 (cited by Genomenon, Inc and Broad Center for Mendelian Genomics, Broad Institute of MIT and Harvard); PubMed 1652892 (cited by 7 submitters); PubMed 29122469 (cited by 3 submitters); PubMed 21484825 (cited by Labcorp Genetics (formerly Invitae), Labcorp and Victorian Clinical Genetics Services, Murdoch Childrens Research Institute); PubMed 32317649 (cited by Natera, Inc. and Molecular Therapies Laboratory, Murdoch University); PubMed 30155607 (cited by Natera, Inc.); PubMed 18425781 (cited by Victorian Clinical Genetics Services, Murdoch Childrens Research Institute); PubMed 21228398 (cited by Women's Health and Genetics/Laboratory Corporation of America, LabCorp); PubMed 31342611 (cited by Women's Health and Genetics/Laboratory Corporation of America, LabCorp).